The following is an entry in ClinVar:

ClinVar aggregate classification (germline): Uncertain significance. Review status: criteria provided, single submitter (1 of 4 stars). 2 submissions from 2 submitters: Uncertain significance (1). 1 of the submissions does not count toward it. Last evaluated 2025-11-21.

Conditions:
Cardiomyopathy (CMYO). Also called: Cardiomyopathies. Identifiers: Orphanet 167848, MedGen C0878544, MONDO:0004994, HP:0001638. Inheritance: Various modes of inheritance.
Dystrophin deficiency.
Duchenne muscular dystrophy (DMD). Also called: MUSCULAR DYSTROPHY, PSEUDOHYPERTROPHIC PROGRESSIVE, DUCHENNE TYPE; Duchenne Muscular Dystrophy (DMD). Identifiers: Orphanet 98896, MedGen C0013264, MONDO:0010679, OMIM 310200.
Becker muscular dystrophy (BMD). Also called: Becker Muscular Dystrophy (BMD); MUSCULAR DYSTROPHY, PSEUDOHYPERTROPHIC PROGRESSIVE, BECKER TYPE. Identifiers: Orphanet 98895, MedGen C0917713, MONDO:0010311, OMIM 300376.

Allele frequency attached by ClinVar (database versions not stated): gnomAD exomes below 0.00001; gnomAD 0.00001.
gnomAD v4.1: 2 of 1,209,765 alleles (0.00017%); highest among the groups gnomAD compares: East Asian, 0.003%; no homozygotes.

Submissions (2):

Labcorp Genetics (formerly Invitae), Labcorp
Classification: Uncertain significance for Duchenne muscular dystrophy. Last evaluated: 2025-11-21. Review status: criteria provided, single submitter. Criteria: Invitae Variant Classification Sherloc (09022015). Collection method: clinical testing. Allele origin: germline.
Comment: This sequence change replaces methionine, which is neutral and non-polar, with valine, which is neutral and non-polar, at codon 3110 of the DMD protein (p.Met3110Val). This variant is present in population databases (no rsID available, gnomAD 0.1%). This variant has not been reported in the literature in individuals affected with DMD-related conditions. ClinVar contains an entry for this variant (Variation ID: 1057112). Invitae Evidence Modeling of protein sequence and biophysical properties (such as structural, functional, and spatial information, amino acid conservation, physicochemical variation, residue mobility, and thermodynamic stability) indicates that this missense variant is not expected to disrupt DMD protein function with a negative predictive value of 95%. In summary, the available evidence is currently insufficient to determine the role of this variant in disease. Therefore, it has been classified as a Variant of Uncertain Significance.

Natera, Inc.
Classification: Uncertain significance for Becker muscular dystrophy; Cardiomyopathy; Duchenne muscular dystrophy; Dystrophin deficiency. Last evaluated: 2021-07-16. Review status: no assertion criteria provided. Collection method: clinical testing. Allele origin: germline. Not counted in ClinVar's aggregate classification.

NM_004006.3(DMD):c.9328A>G (p.Met3110Val)

Gene: DMD (dystrophin; minus strand). Cytogenetic location: Xp21.2.
Variant type: single nucleotide variant.
Coding change: c.9328A>G on transcript NM_004006.3 (MANE Select); coding-DNA position 9328, A replaced by G.
Protein change: p.Met3110Val; replaces methionine 3110 with valine.
Molecular consequence: missense variant.
Genome position (GRCh38, 1-based): chrX:31,223,080, T>C on the plus strand (A>G on the coding strand, the complement: DMD is on the minus strand). VCF-style: chrX-31223080-T-C. GRCh37 (hg19) VCF-style: chrX-31241197-T-C.
Other names: c.9304A>G, p.Met3102Val (NM_000109.4); c.9316A>G, p.Met3106Val (NM_004009.3); c.8959A>G, p.Met2987Val (NM_004010.3); c.5305A>G, p.Met1769Val (NM_004011.4); c.5296A>G, p.Met1766Val (NM_004012.4); c.1948A>G, p.Met650Val (NM_004013.3, NM_004020.4, NM_004021.3 and 2 more transcripts); c.1141A>G, p.Met381Val (NM_004014.3); c.124A>G, p.Met42Val (NM_004015.3, NM_004016.3, NM_004017.3 and 2 more transcripts); short protein forms M1766V, M1769V, M2987V, M3102V, M3106V, M3110V, M381V, M42V.
Identifiers: ClinVar variation 1057112 (VCV001057112.11), dbSNP rs1381984529, ClinGen allele CA412650891.